The following is an entry in ClinVar:

ClinVar aggregate classification (germline): Uncertain significance (1 of 4 stars; one submission).

Conditions:
Hereditary cancer-predisposing syndrome. Also called: Tumor predisposition; Hereditary Cancer Syndrome; Hereditary neoplastic syndrome; Neoplastic Syndromes, Hereditary. Identifiers: Orphanet 140162, MedGen C0027672, MeSH D009386, MONDO:0015356.

Submission:

Ambry Genetics
Classification: Uncertain significance for Hereditary cancer-predisposing syndrome. Last evaluated: 2023-08-03. Review status: criteria provided, single submitter. Criteria: Ambry Variant Classification Scheme 2023. Collection method: clinical testing. Allele origin: germline.
Comment: The p.D1222E variant (also known as c.3666C>G), located in coding exon 30 of the TSC2 gene, results from a C to G substitution at nucleotide position 3666. The aspartic acid at codon 1222 is replaced by glutamic acid, an amino acid with highly similar properties. This amino acid position is conserved. In addition, the in silico prediction for this alteration is inconclusive. Since supporting evidence is limited at this time, the clinical significance of this alteration remains unclear.

NM_000548.5(TSC2):c.3666C>G (p.Asp1222Glu)

Gene: TSC2 (TSC complex subunit 2; plus strand). Cytogenetic location: 16p13.3.
Variant type: single nucleotide variant.
Coding change: c.3666C>G on transcript NM_000548.5 (MANE Select); coding-DNA position 3666, C replaced by G.
Protein change: p.Asp1222Glu; replaces aspartic acid 1222 with glutamic acid.
Molecular consequence: missense variant. On other transcripts: non-coding transcript variant (5).
Genome position (GRCh38, 1-based): chr16:2,081,650, C>G. VCF-style: chr16-2081650-C-G. GRCh37 (hg19) VCF-style: chr16-2131651-C-G.
Other names: c.3534C>G, p.Asp1178Glu (NM_001077183.3, NM_001370404.1, NM_001406665.1); c.3666C>G, p.Asp1222Glu (NM_001114382.3); c.3426C>G, p.Asp1142Glu (NM_001318827.2); c.3390C>G, p.Asp1130Glu (NM_001318829.2); c.2934C>G, p.Asp978Glu (NM_001318831.2, NM_001406687.1, NM_001406688.1); c.3567C>G, p.Asp1189Glu (NM_001318832.2); c.3537C>G, p.Asp1179Glu (NM_001363528.2, NM_001370405.1, NM_021055.3); c.3663C>G, p.Asp1221Glu (NM_001406663.1, NM_001406664.1); and 18 more; short protein forms D1022E, D1025E, D1130E, D1141E, D1159E, D1179E, D1209E, D1221E.
Identifiers: ClinVar variation 2626434 (VCV002626434.2), dbSNP rs749870079, ClinGen allele CA394292131.